The following is an entry in ClinVar:

ClinVar aggregate classification (germline): Benign. Review status: criteria provided, multiple submitters, no conflicts (2 of 4 stars). 2 submissions from 2 submitters: Benign (2). Last evaluated 2018-01-13.

Conditions:
Tooth agenesis, selective, 3 (STHAG3). Also called: HYPODONTIA/OLIGODONTIA 3. Identifiers: Orphanet 99798, MedGen C1970291, MONDO:0011477, OMIM 604625. Disease mechanism: loss of function.

Allele frequency attached by ClinVar (database versions not stated): 1000 Genomes Project 30x 0.37352; gnomAD exomes 0.32911; gnomAD 0.37094 and 0.37124; TOPMed 0.37316; 1000 Genomes Project 0.37620.
gnomAD v4.1: 56,545 of 152,094 alleles (37%); highest among the groups gnomAD compares: East Asian, 45%; 10,686 homozygotes.

Submissions (2):

Illumina Laboratory Services, Illumina
Classification: Benign for Tooth agenesis, selective, 3. Last evaluated: 2018-01-13. Review status: criteria provided, single submitter. Criteria: ICSL Variant Classification Criteria 13 December 2019. Collection method: clinical testing. Allele origin: germline.
Comment: This variant was observed in the ICSL laboratory as part of a predisposition screen in an ostensibly healthy population. It had not been previously curated by ICSL or reported in the Human Gene Mutation Database (HGMD: prior to June 1st, 2018), and was therefore a candidate for classification through an automated scoring system. Utilizing variant allele frequency, disease prevalence and penetrance estimates, and inheritance mode, an automated score was calculated to assess if this variant is too frequent to cause the disease. Based on the score and internal cut-off values, a variant classified as benign is not then subjected to further curation. The score for this variant resulted in a classification of benign for this disease.

Breakthrough Genomics
Classification: Benign. Review status: criteria provided, single submitter. Criteria: ACMG Guidelines, 2015. Collection method: not provided. Allele origin: germline. Inheritance: Autosomal dominant inheritance. Affected: yes.

NM_006194.4(PAX9):c.-455C>G

Gene: PAX9 (paired box 9; plus strand). Cytogenetic location: 14q13.3.
Variant type: single nucleotide variant.
Coding change: c.-455C>G on transcript NM_006194.4; 455 bases upstream of the start codon, C replaced by G.
Molecular consequence: 5 prime UTR variant.
Genome position (GRCh38, 1-based): chr14:36,657,839, C>G. VCF-style: chr14-36657839-C-G. GRCh37 (hg19) VCF-style: chr14-37127044-C-G.
Identifiers: ClinVar variation 313155 (VCV000313155.8), dbSNP rs4904155, ClinGen allele CA10645317.